The following is an entry in ClinVar:

NM_001184880.2(PCDH19):c.2341dup (p.Ile781fs)

Genes: PCDH19 (protocadherin 19; minus strand), LOC125467768 (CDK7 strongly-dependent group 2 enhancer GRCh37_chrX:99657381-99658580; plus strand). Cytogenetic location: Xq22.1.
Variant type: Duplication.
Coding change: c.2341dup on transcript NM_001184880.2 (MANE Select); coding-DNA position 2341, one base duplicated (A; older notation c.2341dupA).
Protein change: p.Ile781fs; shifts the reading frame from isoleucine 781.
Molecular consequence: frameshift variant.
Genome position (GRCh38, 1-based): chrX:100,402,799, T duplicated on the plus strand (A on the coding strand, the reverse complement: PCDH19 is on the minus strand); the first of 7 consecutive T bases (chrX:100,402,799-100,402,805); duplicating any one gives the same sequence. VCF-style (leftmost placement, unchanged base first): chrX-100402798-A-AT. GRCh37 (hg19) VCF-style: chrX-99657796-A-AT.
Other names: c.2341dupA (NM_001184880.1); c.2200dup, p.Ile734fs (NM_001105243.2, NM_020766.3); c.2341dup (NM_001184880.1); short protein forms I781fs, I734fs.
Identifiers: ClinVar variation 804051 (VCV000804051.9), dbSNP rs1060502175, ClinGen allele CA915951266.

ClinVar aggregate classification (germline): Pathogenic. Review status: criteria provided, multiple submitters, no conflicts (2 of 4 stars). 5 submissions from 5 submitters: Pathogenic (5). Last evaluated 2026-03-22.

Conditions:
Developmental and epileptic encephalopathy, 9 (DEE9). Also called: JUBERG-HELLMAN SYNDROME; Early infantile epileptic encephalopathy 9; EPILEPSY, FEMALE-RESTRICTED, WITH MENTAL RETARDATION; PCDH19-Related X-Linked Female-Limited Epilepsy with Mental Retardation. Identifiers: Orphanet 101039, Orphanet 2076, MedGen C1848137, MONDO:0010246, OMIM 300088. Disease mechanism: loss of function.
Inborn genetic diseases. Identifiers: MedGen C0950123, MeSH D030342.

Submissions (5):

GeneDx
Classification: Pathogenic. Last evaluated: 2026-03-22. Review status: criteria provided, single submitter. Criteria: GeneDx Variant Classification Process June 2021. Collection method: clinical testing. Allele origin: germline.
Comment: Frameshift variant predicted to result in protein truncation or nonsense mediated decay in a gene for which loss of function is a known mechanism of disease; Not observed at significant frequency in large population cohorts (gnomAD); This variant is associated with the following publications: (PMID: 32852734, 30451291, 32366910, 39146709, 22946748)

Labcorp Genetics (formerly Invitae), Labcorp
Classification: Pathogenic for Developmental and epileptic encephalopathy, 9. Last evaluated: 2023-12-13. Review status: criteria provided, single submitter. Criteria: Invitae Variant Classification Sherloc (09022015). Collection method: clinical testing. Allele origin: germline.
Comment: This sequence change creates a premature translational stop signal (p.Ile781Asnfs*3) in the PCDH19 gene. It is expected to result in an absent or disrupted protein product. Loss-of-function variants in PCDH19 are known to be pathogenic (PMID: 21053371). This variant is not present in population databases (gnomAD no frequency). This premature translational stop signal has been observed in individual(s) with PCDH19-related conditions (PMID: 22946748, 32852734). ClinVar contains an entry for this variant (Variation ID: 804051). For these reasons, this variant has been classified as Pathogenic.

Ambry Genetics
Classification: Pathogenic for Inborn genetic diseases. Last evaluated: 2019-06-20. Review status: criteria provided, single submitter. Criteria: Ambry exome assertion method (8-5-2015). Collection method: clinical testing. Allele origin: germline. Affected: yes. Observed: 2 variant alleles.

Mendelics
Classification: Pathogenic for Developmental and epileptic encephalopathy, 9. Last evaluated: 2019-05-28. Review status: criteria provided, single submitter. Criteria: Mendelics Assertion Criteria 2017. Collection method: clinical testing. Allele origin: unknown.

Centre de Biologie Pathologie Génétique, Centre Hospitalier Universitaire de Lille
Classification: Pathogenic for Developmental and epileptic encephalopathy, 9. Review status: criteria provided, single submitter. Criteria: ACMG Guidelines, 2015. Collection method: clinical testing. Allele origin: inherited. Affected: yes.

Literature cited by the submitters: PubMed 21053371 (cited by Labcorp Genetics (formerly Invitae), Labcorp); PubMed 22946748 (cited by Labcorp Genetics (formerly Invitae), Labcorp and Ambry Genetics); PubMed 32852734 (cited by Labcorp Genetics (formerly Invitae), Labcorp).